The following is an entry in ClinVar:

NM_022124.6(CDH23):c.3842T>C (p.Met1281Thr)

Genes: C10orf105 (chromosome 10 open reading frame 105; minus strand), CDH23 (cadherin related 23; plus strand). Cytogenetic location: 10q22.1.
Variant type: single nucleotide variant.
Coding change: c.3842T>C on transcript NM_022124.6 (MANE Select); coding-DNA position 3842, T replaced by C.
Protein change: p.Met1281Thr; replaces methionine 1281 with threonine.
Molecular consequence: missense variant. On other transcripts: intron variant (1).
Genome position (GRCh38, 1-based): chr10:71,732,113, T>C. VCF-style: chr10-71732113-T-C. GRCh37 (hg19) VCF-style: chr10-73491870-T-C.
Other names: c.3842T>C, p.Met1281Thr (NM_001171930.2); c.-6+5615A>G (NM_001168390.2); short protein forms M1281T.
Identifiers: ClinVar variation 1310817 (VCV001310817.4), dbSNP rs2132824827, ClinGen allele CA377156315.

ClinVar aggregate classification (germline): Uncertain significance (1 of 4 stars; one submission).

Submission:

GeneDx
Classification: Uncertain significance. Last evaluated: 2019-12-06. Review status: criteria provided, single submitter. Criteria: GeneDx Variant Classification Process June 2021. Collection method: clinical testing. Allele origin: germline. Affected: yes.
Comment: Not observed in large population cohorts (Lek et al., 2016); In silico analysis, which includes protein predictors and evolutionary conservation, supports a deleterious effect; Has not been previously published as pathogenic or benign to our knowledge